The following is an entry in ClinVar:

NM_001134363.3(RBM20):c.321G>C (p.Gln107His)

Gene: RBM20 (RNA binding motif protein 20; plus strand). Cytogenetic location: 10q25.2.
Variant type: single nucleotide variant.
Coding change: c.321G>C on transcript NM_001134363.3 (MANE Select); coding-DNA position 321, G replaced by C.
Protein change: p.Gln107His; replaces glutamine 107 with histidine.
Molecular consequence: missense variant.
Genome position (GRCh38, 1-based): chr10:110,780,930, G>C. VCF-style: chr10-110780930-G-C. GRCh37 (hg19) VCF-style: chr10-112540688-G-C.
Other names: short protein forms Q107H.
Identifiers: ClinVar variation 838513 (VCV000838513.11), dbSNP rs1413181007, ClinGen allele CA378379543.

ClinVar aggregate classification (germline): Conflicting classifications of pathogenicity. Review status: criteria provided, conflicting classifications (1 of 4 stars). 3 submissions from 3 submitters: Uncertain significance (2); Likely benign (1). Last evaluated 2026-01-07.

Conditions:
Cardiovascular phenotype. Identifiers: MedGen CN230736.
Dilated cardiomyopathy 1DD (CMD1DD). Identifiers: Orphanet 154, MedGen C2750995, MONDO:0013168, OMIM 613172.

Allele frequency attached by ClinVar (database versions not stated): gnomAD 0.00001; gnomAD exomes 0.00001 and 0.00002; TOPMed 0.00002.
gnomAD v4.1: 21 of 1,551,544 alleles (0.0014%); highest among the groups gnomAD compares: Non-Finnish European, 0.0017%; no homozygotes.

Submissions (3):

Labcorp Genetics (formerly Invitae), Labcorp
Classification: Likely benign for Dilated cardiomyopathy 1DD. Last evaluated: 2026-01-07. Review status: criteria provided, single submitter. Criteria: Invitae Variant Classification Sherloc (09022015). Collection method: clinical testing. Allele origin: germline.

Ambry Genetics
Classification: Uncertain significance for Cardiovascular phenotype. Last evaluated: 2023-01-30. Review status: criteria provided, single submitter. Criteria: Ambry Variant Classification Scheme 2023. Collection method: clinical testing. Allele origin: germline.
Comment: The p.Q107H variant (also known as c.321G>C), located in coding exon 2 of the RBM20 gene, results from a G to C substitution at nucleotide position 321. The glutamine at codon 107 is replaced by histidine, an amino acid with highly similar properties. This amino acid position is highly conserved in available vertebrate species. In addition, this alteration is predicted to be deleterious by in silico analysis. Since supporting evidence is limited at this time, the clinical significance of this alteration remains unclear.

Fulgent Genetics
Classification: Uncertain significance for Dilated cardiomyopathy 1DD. Last evaluated: 2021-08-20. Review status: criteria provided, single submitter. Criteria: ACMG Guidelines, 2015. Collection method: clinical testing. Allele origin: unknown.